The following is an entry in ClinVar:

NM_005502.4(ABCA1):c.700G>T (p.Asp234Tyr)

Gene: ABCA1 (ATP binding cassette subfamily A member 1; minus strand). Cytogenetic location: 9q31.1.
Variant type: single nucleotide variant.
Coding change: c.700G>T on transcript NM_005502.4 (MANE Select); coding-DNA position 700, G replaced by T.
Protein change: p.Asp234Tyr; replaces aspartic acid 234 with tyrosine.
Molecular consequence: missense variant.
Genome position (GRCh38, 1-based): chr9:104,858,542, C>A on the plus strand (G>T on the coding strand, the complement: ABCA1 is on the minus strand). VCF-style: chr9-104858542-C-A. GRCh37 (hg19) VCF-style: chr9-107620823-C-A.
Other names: short protein forms D234Y.
Identifiers: ClinVar variation 2130222 (VCV002130222.4), dbSNP rs2538267841, ClinGen allele CA374311122.

ClinVar aggregate classification (germline): Uncertain significance (1 of 4 stars; one submission).

Allele frequency attached by ClinVar (database versions not stated): gnomAD exomes below 0.00001.
gnomAD v4.1: 1 of 1,614,050 alleles (0.000062%); highest among the groups gnomAD compares: Non-Finnish European, 0.000085%; no homozygotes.

Submission:

Labcorp Genetics (formerly Invitae), Labcorp
Classification: Uncertain significance. Last evaluated: 2022-04-24. Review status: criteria provided, single submitter. Criteria: Invitae Variant Classification Sherloc (09022015). Collection method: clinical testing. Allele origin: germline.
Comment: In summary, the available evidence is currently insufficient to determine the role of this variant in disease. Therefore, it has been classified as a Variant of Uncertain Significance. Algorithms developed to predict the effect of missense changes on protein structure and function are either unavailable or do not agree on the potential impact of this missense change (SIFT: "Deleterious"; PolyPhen-2: "Possibly Damaging"; Align-GVGD: "Class C15"). This variant has not been reported in the literature in individuals affected with ABCA1-related conditions. This variant is not present in population databases (gnomAD no frequency). This sequence change replaces aspartic acid, which is acidic and polar, with tyrosine, which is neutral and polar, at codon 234 of the ABCA1 protein (p.Asp234Tyr).